The following is an entry in ClinVar:

ClinVar aggregate classification (germline): Uncertain significance. Review status: criteria provided, multiple submitters, no conflicts (2 of 4 stars). 5 submissions from 5 submitters: Uncertain significance (5). Last evaluated 2025-08-29.

Conditions:
Charcot-Marie-Tooth disease axonal type 2S. Also called: CHARCOT-MARIE-TOOTH NEUROPATHY, TYPE 2S; CHARCOT-MARIE-TOOTH DISEASE, AXONAL, AUTOSOMAL RECESSIVE, TYPE 2S. Identifiers: Orphanet 443073, MedGen C4015349, MONDO:0014511, OMIM 616155.
Autosomal recessive distal spinal muscular atrophy 1. Also called: HMN VI; NEURONOPATHY, SEVERE INFANTILE AXONAL, WITH RESPIRATORY FAILURE; SEVERE INFANTILE AXONAL NEUROPATHY WITH RESPIRATORY FAILURE; SPINAL MUSCULAR ATROPHY, DIAPHRAGMATIC; Spinal muscular atrophy with respiratory distress 1; NEURONOPATHY, DISTAL HEREDITARY MOTOR, HARDING TYPE VI. Identifiers: Orphanet 98920, MedGen C1858517, MONDO:0011436, OMIM 604320.
Inborn genetic diseases. Identifiers: MedGen C0950123, MeSH D030342.

Allele frequency attached by ClinVar (database versions not stated): TOPMed 0.00003; gnomAD 0.00004 and 0.00005.

Submissions (5):

Ambry Genetics
Classification: Uncertain significance for Inborn genetic diseases. Last evaluated: 2025-08-29. Review status: criteria provided, single submitter. Criteria: Ambry Variant Classification Scheme 2023. Collection method: clinical testing. Allele origin: germline.

GeneDx
Classification: Uncertain significance. Last evaluated: 2025-05-20. Review status: criteria provided, single submitter. Criteria: GeneDx Variant Classification Process June 2021. Collection method: clinical testing. Allele origin: germline. Affected: yes.
Comment: Not observed at significant frequency in large population cohorts (gnomAD); In silico analysis supports that this missense variant has a deleterious effect on protein structure/function; Has not been previously published as pathogenic or benign to our knowledge; This variant is associated with the following publications: (PMID: 22965130, 24388491, 25439726, 24123366)

Labcorp Genetics (formerly Invitae), Labcorp
Classification: Uncertain significance for Autosomal recessive distal spinal muscular atrophy 1; Charcot-Marie-Tooth disease axonal type 2S. Last evaluated: 2022-06-22. Review status: criteria provided, single submitter. Criteria: Invitae Variant Classification Sherloc (09022015). Collection method: clinical testing. Allele origin: germline.
Comment: This sequence change replaces arginine, which is basic and polar, with histidine, which is basic and polar, at codon 254 of the IGHMBP2 protein (p.Arg254His). This variant is present in population databases (rs761191746, gnomAD 0.006%). This variant has not been reported in the literature in individuals affected with IGHMBP2-related conditions. ClinVar contains an entry for this variant (Variation ID: 246563). Algorithms developed to predict the effect of missense changes on protein structure and function are either unavailable or do not agree on the potential impact of this missense change (SIFT: "Deleterious"; PolyPhen-2: "Possibly Damaging"; Align-GVGD: "Class C0"). In summary, the available evidence is currently insufficient to determine the role of this variant in disease. Therefore, it has been classified as a Variant of Uncertain Significance.

ARUP Laboratories, Molecular Genetics and Genomics, ARUP Laboratories
Classification: Uncertain significance. Last evaluated: 2021-02-04. Review status: criteria provided, single submitter. Criteria: ARUP Molecular Germline Variant Investigation Process 2021. Collection method: clinical testing. Allele origin: germline.

Genomic Research Center, Shahid Beheshti University of Medical Sciences
Classification: Uncertain significance. Last evaluated: 2019-04-27. Review status: criteria provided, single submitter. Criteria: ACMG Guidelines, 2015. Collection method: clinical testing. Allele origin: unknown. Affected: no.

NM_002180.3(IGHMBP2):c.761G>A (p.Arg254His)

Gene: IGHMBP2 (immunoglobulin mu DNA binding protein 2; plus strand). Cytogenetic location: 11q13.3.
Variant type: single nucleotide variant.
Coding change: c.761G>A on transcript NM_002180.3 (MANE Select); coding-DNA position 761, G replaced by A.
Protein change: p.Arg254His; replaces arginine 254 with histidine.
Molecular consequence: missense variant.
Genome position (GRCh38, 1-based): chr11:68,914,872, G>A. VCF-style: chr11-68914872-G-A. GRCh37 (hg19) VCF-style: chr11-68682340-G-A.
Other names: short protein forms R254H.
Identifiers: ClinVar variation 246563 (VCV000246563.18), dbSNP rs761191746, ClinGen allele CA6153390.